The following is an entry in ClinVar:

ClinVar aggregate classification (germline): Likely pathogenic (1 of 4 stars; one submission).

Conditions:
Early-infantile DEE. Also called: Early infantile epileptic encephalopathy with suppression bursts; Early infantile epileptic encephalopathy; Ohtahara syndrome. Identifiers: Orphanet 1934, MedGen C0393706, MONDO:0800491.

Submission:

Labcorp Genetics (formerly Invitae), Labcorp
Classification: Likely pathogenic for Early-infantile DEE. Last evaluated: 2024-01-21. Review status: criteria provided, single submitter. Criteria: Invitae Variant Classification Sherloc (09022015). Collection method: clinical testing. Allele origin: germline.
Comment: This sequence change replaces tyrosine, which is neutral and polar, with cysteine, which is neutral and slightly polar, at codon 165 of the SCN1A protein (p.Tyr165Cys). This variant is not present in population databases (gnomAD no frequency). This variant has not been reported in the literature in individuals affected with SCN1A-related conditions. Advanced modeling of protein sequence and biophysical properties (such as structural, functional, and spatial information, amino acid conservation, physicochemical variation, residue mobility, and thermodynamic stability) performed at Invitae indicates that this missense variant is expected to disrupt SCN1A protein function with a positive predictive value of 95%. This variant disrupts the p.Tyr165 amino acid residue in SCN1A. Other variant(s) that disrupt this residue have been determined to be pathogenic (PMID: 31780880, 35571373). This suggests that this residue is clinically significant, and that variants that disrupt this residue are likely to be disease-causing. In summary, the currently available evidence indicates that the variant is pathogenic, but additional data are needed to prove that conclusively. Therefore, this variant has been classified as Likely Pathogenic.

Literature cited by the submitters: PubMed 31780880; PubMed 35571373.

NM_001165963.4(SCN1A):c.494A>G (p.Tyr165Cys)

Gene: SCN1A (sodium voltage-gated channel alpha subunit 1; minus strand). Cytogenetic location: 2q24.3.
Variant type: single nucleotide variant.
Coding change: c.494A>G on transcript NM_001165963.4 (MANE Select); coding-DNA position 494, A replaced by G.
Protein change: p.Tyr165Cys; replaces tyrosine 165 with cysteine.
Molecular consequence: missense variant. On other transcripts: 5 prime UTR variant (1), non-coding transcript variant (1).
Genome position (GRCh38, 1-based): chr2:166,054,746, T>C on the plus strand (A>G on the coding strand, the complement: SCN1A is on the minus strand). VCF-style: chr2-166054746-T-C. GRCh37 (hg19) VCF-style: chr2-166911256-T-C.
Other names: c.-1932A>G (NM_001353961.2); c.494A>G, p.Tyr165Cys (NM_006920.6, NM_001165964.3, NM_001202435.3 and 10 more transcripts); short protein forms Y165C.
Identifiers: ClinVar variation 2710626 (VCV002710626.3), dbSNP rs2468247712, ClinGen allele CA349075665.
Genomic context (GRCh38, chr2:166,054,746, plus strand): 5'-AAAGTAAAATCTTCTAAACAGAATCCCCTTGCAATAATTTTTATAAGTGATTCAAAAGTA[T>C]ATATTCCTGTGAAGGTGTATCTGAAAACAAGCATCCAAAAAATTTGATAAAGTAACAGTG-3'
Protein context (NP_001159435.1, residues 155-175): KNVEYTFTGI[Tyr165Cys]TFESLIKIIA